The following is an entry in ClinVar:

ClinVar aggregate classification (germline): Uncertain significance. Review status: criteria provided, multiple submitters, no conflicts (2 of 4 stars). 2 submissions from 2 submitters: Uncertain significance (2). Last evaluated 2026-08-01.

Conditions:
Inborn genetic diseases. Identifiers: MedGen C0950123, MeSH D030342.

Allele frequency attached by ClinVar (database versions not stated): ExAC 0.00001; gnomAD exomes 0.00001; TOPMed 0.00001.

Submissions (2):

CeGaT Center for Human Genetics Tuebingen
Classification: Uncertain significance. Last evaluated: 2026-08-01. Review status: criteria provided, single submitter. Criteria: CeGaT Center For Human Genetics Tuebingen Variant Classification Criteria Version 2. Collection method: clinical testing. Allele origin: germline. Affected: yes. Observed: 1 variant allele.
Comment: SLC9A3: PM2

Ambry Genetics
Classification: Uncertain significance for Inborn genetic diseases. Last evaluated: 2024-02-02. Review status: criteria provided, single submitter. Criteria: Ambry Variant Classification Scheme 2023. Collection method: clinical testing. Allele origin: germline.

NM_004174.4(SLC9A3):c.868G>A (p.Val290Met)

Gene: SLC9A3 (solute carrier family 9 member A3). Cytogenetic location: 5p15.33.
Variant type: single nucleotide variant.
Coding change: c.868G>A on transcript NM_004174.4 (MANE Select); coding-DNA position 868, G replaced by A.
Protein change: p.Val290Met; replaces valine 290 with methionine.
Molecular consequence: missense variant.
Genome position (GRCh38, 1-based): chr5:484,584, C>T on the plus strand (G>A on the coding strand, the complement: SLC9A3 is on the minus strand). VCF-style: chr5-484584-C-T. GRCh37 (hg19) VCF-style: chr5-484699-C-T.
Other names: c.868G>A, p.Val290Met (NM_001284351.3); short protein forms V290M.
Identifiers: ClinVar variation 3165697 (VCV003165697.2), dbSNP rs769278551, ClinGen allele CA3176159.